The following is an entry in ClinVar:

NM_001367624.2(ZNF469):c.10543G>A (p.Val3515Met)

Gene: ZNF469 (zinc finger protein 469; plus strand). Cytogenetic location: 16q24.2.
Variant type: single nucleotide variant.
Coding change: c.10543G>A on transcript NM_001367624.2 (MANE Select); coding-DNA position 10543, G replaced by A.
Protein change: p.Val3515Met; replaces valine 3515 with methionine.
Molecular consequence: missense variant.
Genome position (GRCh38, 1-based): chr16:88,438,013, G>A. VCF-style: chr16-88438013-G-A. GRCh37 (hg19) VCF-style: chr16-88504421-G-A.
Other names: NM_001127464.1:c.10459G>A; short protein forms V3515M.
Identifiers: ClinVar variation 1306933 (VCV001306933.7), dbSNP rs535466651, ClinGen allele CA286386905.

ClinVar aggregate classification (germline): Conflicting classifications of pathogenicity. Review status: criteria provided, conflicting classifications (1 of 4 stars). 3 submissions from 3 submitters: Uncertain significance (2); Likely benign (1). Last evaluated 2024-10-22.

Conditions:
Cardiovascular phenotype. Identifiers: MedGen CN230736.

Allele frequency attached by ClinVar (database versions not stated): gnomAD exomes 0.00002; 1000 Genomes Project 30x 0.00016.
gnomAD v4.1: 54 of 1,549,798 alleles (0.0035%); highest among the groups gnomAD compares: African/African-American, 0.066%; no homozygotes.

Submissions (3):

Ambry Genetics
Classification: Likely benign for Cardiovascular phenotype. Last evaluated: 2024-10-22. Review status: criteria provided, single submitter. Criteria: Ambry Variant Classification Scheme 2023. Collection method: clinical testing. Allele origin: germline.

Labcorp Genetics (formerly Invitae), Labcorp
Classification: Uncertain significance. Last evaluated: 2024-04-25. Review status: criteria provided, single submitter. Criteria: Invitae Variant Classification Sherloc (09022015). Collection method: clinical testing. Allele origin: germline.
Comment: This sequence change replaces valine, which is neutral and non-polar, with methionine, which is neutral and non-polar, at codon 3487 of the ZNF469 protein (p.Val3487Met). This variant is present in population databases (rs535466651, gnomAD 0.04%). This variant has not been reported in the literature in individuals affected with ZNF469-related conditions. ClinVar contains an entry for this variant (Variation ID: 1306933). An algorithm developed to predict the effect of missense changes on protein structure and function (PolyPhen-2) suggests that this variant is likely to be disruptive. In summary, the available evidence is currently insufficient to determine the role of this variant in disease. Therefore, it has been classified as a Variant of Uncertain Significance.

GeneDx
Classification: Uncertain significance. Last evaluated: 2019-07-05. Review status: criteria provided, single submitter. Criteria: GeneDx Variant Classification Process June 2021. Collection method: clinical testing. Allele origin: germline. Affected: yes.
Comment: Has not been previously published as pathogenic or benign to our knowledge; In silico analysis, which includes protein predictors and evolutionary conservation, supports that this variant does not alter protein structure/function